The following is an entry in ClinVar:

ClinVar aggregate classification (germline): Uncertain significance (1 of 4 stars; one submission).

Submission:

Ambry Genetics
Classification: Uncertain significance. Last evaluated: 2025-09-21. Review status: criteria provided, single submitter. Criteria: Ambry Variant Classification Scheme 2023. Collection method: clinical testing. Allele origin: germline.
Comment: The p.P663L variant (also known as c.1988C>T), located in coding exon 8 of the RNF43 gene, results from a C to T substitution at nucleotide position 1988. The proline at codon 663 is replaced by leucine, an amino acid with similar properties. This amino acid position is conserved. In addition, this alteration is predicted to be tolerated by in silico analysis. Based on the available evidence, the clinical significance of this variant remains unclear.

NM_017763.6(RNF43):c.1988C>T (p.Pro663Leu)

Gene: RNF43 (ring finger protein 43; minus strand). Cytogenetic location: 17q22.
Variant type: single nucleotide variant.
Coding change: c.1988C>T on transcript NM_017763.6 (MANE Select); coding-DNA position 1988, C replaced by T.
Protein change: p.Pro663Leu; replaces proline 663 with leucine.
Molecular consequence: missense variant.
Genome position (GRCh38, 1-based): chr17:58,357,788, G>A on the plus strand (C>T on the coding strand, the complement: RNF43 is on the minus strand). VCF-style: chr17-58357788-G-A. GRCh37 (hg19) VCF-style: chr17-56435149-G-A.
Other names: c.1988C>T, p.Pro663Leu (NM_001305544.3, NM_001438820.1, NM_001438821.1 and 1 more transcripts); c.1607C>T, p.Pro536Leu (NM_001305545.2, NM_001437987.1); short protein forms P663L, P536L.
Identifiers: ClinVar variation 4578948 (VCV004578948.1).
Genomic context (GRCh38, chr17:58,357,788, plus strand): 5'-TGGGGAAAAATCTGGCAAGCTGGGTGCACAGTTGCATCCTGGGGCCGAGAGCCAGGGGTG[G>A]GCTCGGAGGGACCCCCCCGCCTTTTCCTCTGTGGGTGTCGGGCAGAGAGGCTGGATTTTT-3'
Protein context (NP_060233.3, residues 653-673): QRKRRGGPSE[Pro663Leu]TPGSRPQDAT